The following is an entry in ClinVar:

NM_003001.5(SDHC):c.50A>G (p.His17Arg)

Gene: SDHC (succinate dehydrogenase complex subunit C; plus strand). Cytogenetic location: 1q23.3.
Variant type: single nucleotide variant.
Coding change: c.50A>G on transcript NM_003001.5 (MANE Select); coding-DNA position 50, A replaced by G.
Protein change: p.His17Arg; replaces histidine 17 with arginine.
Molecular consequence: missense variant. On other transcripts: 5 prime UTR variant (2), non-coding transcript variant (1), intron variant (4).
Genome position (GRCh38, 1-based): chr1:161,323,643, A>G. VCF-style: chr1-161323643-A-G. GRCh37 (hg19) VCF-style: chr1-161293433-A-G.
Other names: c.50A>G, p.His17Arg (NM_001035511.3, NM_001035512.3, NM_001278172.3 and 2 more transcripts); c.-62A>G (NM_001407119.1); c.-180A>G (NM_001407120.1); c.21-4753A>G (NM_001407116.1, NM_001407121.1, NM_001407117.1); c.20+9218A>G (NM_001035513.3); short protein forms H17R.
Identifiers: ClinVar variation 3223034 (VCV003223034.1), dbSNP rs1571843720, ClinGen allele CA343359467.

ClinVar aggregate classification (germline): Uncertain significance (1 of 4 stars; one submission).

Conditions:
Hereditary cancer-predisposing syndrome. Also called: Tumor predisposition; Hereditary neoplastic syndrome; Hereditary Cancer Syndrome; Neoplastic Syndromes, Hereditary. Identifiers: Orphanet 140162, MedGen C0027672, MeSH D009386, MONDO:0015356.

Allele frequency attached by ClinVar (database versions not stated): gnomAD exomes below 0.00001.
gnomAD v4.1: 2 of 1,613,486 alleles (0.00012%); highest among the groups gnomAD compares: Non-Finnish European, 0.00017%; no homozygotes.

Submission:

Ambry Genetics
Classification: Uncertain significance for Hereditary cancer-predisposing syndrome. Last evaluated: 2024-01-10. Review status: criteria provided, single submitter. Criteria: Ambry Variant Classification Scheme 2023. Collection method: clinical testing. Allele origin: germline.
Comment: The p.H17R variant (also known as c.50A>G), located in coding exon 2 of the SDHC gene, results from an A to G substitution at nucleotide position 50. The histidine at codon 17 is replaced by arginine, an amino acid with highly similar properties. This alteration was detected in a cohort of 20 early-onset gastric cancer patients who underwent whole-exome sequencing (Herrera-Pariente C et al. Int J Mol Sci, 2021 Jan;22). This amino acid position is well conserved in available vertebrate species; however, arginine is the reference amino acid in other vertebrate species. In addition, the in silico prediction for this alteration is inconclusive. Since supporting evidence is limited at this time, the clinical significance of this alteration remains unclear.

Literature cited by the submitters: PubMed 33525650.